The following is an entry in ClinVar:

ClinVar aggregate classification (germline): Uncertain significance (1 of 4 stars; one submission).

Submission:

Labcorp Genetics (formerly Invitae), Labcorp
Classification: Uncertain significance. Last evaluated: 2023-02-24. Review status: criteria provided, single submitter. Criteria: Invitae Variant Classification Sherloc (09022015). Collection method: clinical testing. Allele origin: germline.
Comment: This variant is not present in population databases (gnomAD no frequency). In summary, the available evidence is currently insufficient to determine the role of this variant in disease. Therefore, it has been classified as a Variant of Uncertain Significance. Advanced modeling of protein sequence and biophysical properties (such as structural, functional, and spatial information, amino acid conservation, physicochemical variation, residue mobility, and thermodynamic stability) has been performed at Invitae for this missense variant, however the output from this modeling did not meet the statistical confidence thresholds required to predict the impact of this variant on POLA1 protein function. This variant has not been reported in the literature in individuals affected with POLA1-related conditions. This sequence change replaces methionine, which is neutral and non-polar, with arginine, which is basic and polar, at codon 428 of the POLA1 protein (p.Met428Arg).

NM_001330360.2(POLA1):c.1301T>G (p.Met434Arg)

Gene: POLA1 (DNA polymerase alpha 1, catalytic subunit; plus strand). Cytogenetic location: Xp22.11.
Variant type: single nucleotide variant.
Coding change: c.1301T>G on transcript NM_001330360.2 (MANE Select); coding-DNA position 1301, T replaced by G.
Protein change: p.Met434Arg; replaces methionine 434 with arginine.
Molecular consequence: missense variant. On other transcripts: non-coding transcript variant (2).
Genome position (GRCh38, 1-based): chrX:24,724,435, T>G. VCF-style: chrX-24724435-T-G. GRCh37 (hg19) VCF-style: chrX-24742552-T-G.
Other names: c.1301T>G, p.Met434Arg (NM_001378303.1); c.1283T>G, p.Met428Arg (NM_016937.4); short protein forms M428R, M434R.
Identifiers: ClinVar variation 2840578 (VCV002840578.3), dbSNP rs2518782913, ClinGen allele CA412532374.